The following is an entry in ClinVar:

NM_000122.2(ERCC3):c.700C>T (p.Arg234Ter)

Gene: ERCC3 (ERCC excision repair 3, TFIIH core complex helicase subunit; minus strand). Cytogenetic location: 2q14.3.
Variant type: single nucleotide variant.
Coding change: c.700C>T on transcript NM_000122.2 (MANE Select); coding-DNA position 700, C replaced by T.
Protein change: p.Arg234Ter; replaces arginine 234 with a stop codon.
Molecular consequence: nonsense.
Genome position (GRCh38, 1-based): chr2:127,289,459, G>A on the plus strand (C>T on the coding strand, the complement: ERCC3 is on the minus strand). VCF-style: chr2-127289459-G-A. GRCh37 (hg19) VCF-style: chr2-128047035-G-A.
Other names: c.508C>T, p.Arg170Ter (NM_001303416.2, NM_001303418.2); short protein forms R170*, R234*.
Identifiers: ClinVar variation 4800310 (VCV004800310.4).

ClinVar aggregate classification (germline): Pathogenic/Likely pathogenic. Review status: criteria provided, multiple submitters, no conflicts (2 of 4 stars). 3 submissions from 3 submitters: Pathogenic (1); Likely pathogenic (2). Last evaluated 2026-08-18.

Conditions:
ERCC3-related disorder. Also called: ERCC3-related condition.

gnomAD v4.1: 22 of 1,612,708 alleles (0.0014%); highest among the groups gnomAD compares: African/African-American, 0.0094%; no homozygotes.

Submissions (3):

PreventionGenetics, part of Exact Sciences
Classification: Likely pathogenic for ERCC3-related condition. Last evaluated: 2026-08-18. Review status: criteria provided, single submitter. Criteria: ACMG Guidelines, 2015. Collection method: clinical testing. Allele origin: germline.
Comment: The ERCC3 c.700C>T variant is predicted to result in premature protein termination (p.Arg234*). This variant, alternatively referred to as c.508C>T (p.Arg170*) in the alternate transcript NM_00130416, has been reported in an individual with breast cancer (Jalkh et al. 2017. PubMed ID: 28202063) and in an individual with neuroendocrine cancer (Table S4, Bertelsen et al. 2019. PubMed ID: 31263571). This variant has not been reported in a large population database (gnomAD), indicating this variant is rare. Nonsense variants in ERCC3 are expected to be pathogenic. This variant is interpreted as likely pathogenic.

Labcorp Genetics (formerly Invitae), Labcorp
Classification: Pathogenic. Last evaluated: 2025-12-16. Review status: criteria provided, single submitter. Criteria: Invitae Variant Classification Sherloc (09022015). Collection method: clinical testing. Allele origin: germline.
Comment: This sequence change creates a premature translational stop signal (p.Arg234*) in the ERCC3 gene. It is expected to result in an absent or disrupted protein product. Loss-of-function variants in ERCC3 are known to be pathogenic (PMID: 16947863). This variant is not present in population databases (gnomAD no frequency). This premature translational stop signal has been observed in individual(s) with breast cancer (PMID: 28202063). This variant is also known as p.R170X. For these reasons, this variant has been classified as Pathogenic.

Dasa
Classification: Likely pathogenic. Last evaluated: 2024-10-17. Review status: criteria provided, single submitter. Criteria: DASA Assertion Criteria. Collection method: clinical testing. Allele origin: germline.
Comment: NM_000122.2(ERCC3):c.700C>T (p.Arg234*) is a nonsense variant in ERCC3 predicted to introduce a premature termination codon and is predicted to result in an absent or altered protein product. Loss of function is an established disease mechanism for ERCC3-associated disorders. Also, this variant is rare in population databases. Based on the currently available evidence, this variant is classified as likely pathogenic.

Literature cited by the submitters: PubMed 16947863 (cited by Labcorp Genetics (formerly Invitae), Labcorp); PubMed 28202063 (cited by Labcorp Genetics (formerly Invitae), Labcorp).